The following is an entry in ClinVar:

NM_006059.4(LAMC3):c.1760G>A (p.Arg587Lys)

Genes: LAMC3 (laminin subunit gamma 3; plus strand), LOC126860777 (BRD4-independent group 4 enhancer GRCh37_chr9:133927058-133928257; plus strand). Cytogenetic location: 9q34.12.
Variant type: single nucleotide variant.
Coding change: c.1760G>A on transcript NM_006059.4 (MANE Select); coding-DNA position 1760, G replaced by A.
Protein change: p.Arg587Lys; replaces arginine 587 with lysine.
Molecular consequence: missense variant.
Genome position (GRCh38, 1-based): chr9:131,052,620, G>A. VCF-style: chr9-131052620-G-A. GRCh37 (hg19) VCF-style: chr9-133928007-G-A.
Other names: short protein forms R587K.
Identifiers: ClinVar variation 1383676 (VCV001383676.6), dbSNP rs1367995988, ClinGen allele CA375264013.

ClinVar aggregate classification (germline): Uncertain significance (1 of 4 stars; one submission).

Allele frequency attached by ClinVar (database versions not stated): gnomAD exomes below 0.00001 and 0.00001; gnomAD 0.00001; TOPMed 0.00001.
gnomAD v4.1: 5 of 1,613,858 alleles (0.00031%); highest among the groups gnomAD compares: Non-Finnish European, 0.000085%; no homozygotes.

Submission:

Labcorp Genetics (formerly Invitae), Labcorp
Classification: Uncertain significance. Last evaluated: 2021-09-29. Review status: criteria provided, single submitter. Criteria: Invitae Variant Classification Sherloc (09022015). Collection method: clinical testing. Allele origin: germline.
Comment: This variant has not been reported in the literature in individuals affected with LAMC3-related conditions. This variant is not present in population databases (ExAC no frequency). This sequence change replaces arginine with lysine at codon 587 of the LAMC3 protein (p.Arg587Lys). The arginine residue is weakly conserved and there is a small physicochemical difference between arginine and lysine. Algorithms developed to predict the effect of missense changes on protein structure and function output the following: SIFT: "Tolerated"; PolyPhen-2: "Benign"; Align-GVGD: "Class C0". The lysine amino acid residue is found in multiple mammalian species, which suggests that this missense change does not adversely affect protein function. In summary, the available evidence is currently insufficient to determine the role of this variant in disease. Therefore, it has been classified as a Variant of Uncertain Significance. Algorithms developed to predict the effect of sequence changes on RNA splicing suggest that this variant may create or strengthen a splice site.